The following is an entry in ClinVar:

NM_005477.3(HCN4):c.2196C>T (p.Gly732=)

Gene: HCN4 (hyperpolarization activated cyclic nucleotide gated potassium channel 4; minus strand). Cytogenetic location: 15q24.1.
Variant type: single nucleotide variant.
Coding change: c.2196C>T on transcript NM_005477.3 (MANE Select); coding-DNA position 2196, C replaced by T.
Protein change: p.Gly732=; no amino-acid change (glycine 732 retained).
Molecular consequence: synonymous variant.
Genome position (GRCh38, 1-based): chr15:73,323,897, G>A on the plus strand (C>T on the coding strand, the complement: HCN4 is on the minus strand). VCF-style: chr15-73323897-G-A. GRCh37 (hg19) VCF-style: chr15-73616238-G-A.
Identifiers: ClinVar variation 775104 (VCV000775104.13), dbSNP rs780923169, ClinGen allele CA7649078.
Genomic context (GRCh38, chr15:73,323,897, plus strand): 5'-CATCTCCCGGTCATGCTGCACAATCTGCTGGATGATCTCATTCTCCTGGTAGTTGAAGAC[G>A]CCGGAGTTGAGGTCGTGCTGGACTTTGTGGAGGAGGATGGAGTTCTTCTTGCCTGGGCCA-3'
Protein context (NP_005468.1, residues 722-742): LHKVQHDLNS[Gly732=]VFNYQENEII

ClinVar aggregate classification (germline): Conflicting classifications of pathogenicity. Review status: criteria provided, conflicting classifications (1 of 4 stars). 2 submissions from 2 submitters: Uncertain significance (1); Likely benign (1). Last evaluated 2025-07-27.

Conditions:
Brugada syndrome 8 (BRGDA8). Identifiers: Orphanet 130, MedGen C2751083, MONDO:0013148, OMIM 613123.
Cardiovascular phenotype. Identifiers: MedGen CN230736.

Allele frequency attached by ClinVar (database versions not stated): gnomAD exomes 0.00001; ExAC 0.00002; gnomAD 0.00003 and 0.00004; TOPMed 0.00004.
gnomAD v4.1: 19 of 1,603,820 alleles (0.0012%); highest among the groups gnomAD compares: Middle Eastern, 0.017%; no homozygotes.

Submissions (2):

Labcorp Genetics (formerly Invitae), Labcorp
Classification: Likely benign for Brugada syndrome 8. Last evaluated: 2025-07-27. Review status: criteria provided, single submitter. Criteria: Invitae Variant Classification Sherloc (09022015). Collection method: clinical testing. Allele origin: germline.

Ambry Genetics
Classification: Uncertain significance for Cardiovascular phenotype. Last evaluated: 2025-06-26. Review status: criteria provided, single submitter. Criteria: Ambry Variant Classification Scheme 2023. Collection method: clinical testing. Allele origin: germline.
Comment: The c.2196C>T variant (also known as p.G732G), located in coding exon 8 of the HCN4 gene, results from a C to T substitution at nucleotide position 2196. This nucleotide substitution does not change the glycine at codon 732. This nucleotide position is poorly conserved in available vertebrate species. In silico splice site analysis for this alteration is inconclusive. Based on the available evidence, the clinical significance of this variant remains unclear.